The following is an entry in ClinVar:

NM_004426.3(PHC1):c.1777A>T (p.Met593Leu)

Gene: PHC1 (polyhomeotic homolog 1; plus strand). Cytogenetic location: 12p13.31.
Variant type: single nucleotide variant.
Coding change: c.1777A>T on transcript NM_004426.3 (MANE Select); coding-DNA position 1777, A replaced by T.
Protein change: p.Met593Leu; replaces methionine 593 with leucine.
Molecular consequence: missense variant.
Genome position (GRCh38, 1-based): chr12:8,933,234, A>T. VCF-style: chr12-8933234-A-T. GRCh37 (hg19) VCF-style: chr12-9085830-A-T.
Other names: short protein forms M593L.
Identifiers: ClinVar variation 1031419 (VCV001031419.1), dbSNP rs1053401532, ClinGen allele CA232671027.

ClinVar aggregate classification (germline): Uncertain significance (1 of 4 stars; one submission).

Conditions:
Microcephaly 11, primary, autosomal recessive. Identifiers: Orphanet 2512, MedGen C3809431, MONDO:0014173, OMIM 615414.

Allele frequency attached by ClinVar (database versions not stated): gnomAD exomes 0.00001 and 0.00004; TOPMed 0.00002.
gnomAD v4.1: 8 of 1,495,692 alleles (0.00053%); highest among the groups gnomAD compares: Admixed American, 0.017%; no homozygotes.

Submission:

Baylor Genetics
Classification: Uncertain significance for Microcephaly 11, primary, autosomal recessive. Last evaluated: 2018-01-25. Review status: criteria provided, single submitter. Criteria: ACMG Guidelines, 2015. Collection method: clinical testing. Allele origin: paternal. Affected: yes.
Comment: This variant was determined to be of uncertain significance according to ACMG Guidelines, 2015 [PMID:25741868].